The following is an entry in ClinVar:

NM_006949.4(STXBP2):c.1490C>A (p.Pro497His)

Gene: STXBP2 (syntaxin binding protein 2; plus strand). Cytogenetic location: 19p13.2.
Variant type: single nucleotide variant.
Coding change: c.1490C>A on transcript NM_006949.4 (MANE Select); coding-DNA position 1490, C replaced by A.
Protein change: p.Pro497His; replaces proline 497 with histidine.
Molecular consequence: missense variant. On other transcripts: non-coding transcript variant (1).
Genome position (GRCh38, 1-based): chr19:7,647,199, C>A. VCF-style: chr19-7647199-C-A. GRCh37 (hg19) VCF-style: chr19-7712085-C-A.
Other names: c.1481C>A, p.Pro494His (NM_001127396.3); c.1523C>A, p.Pro508His (NM_001272034.2); short protein forms P508H, P497H, P494H.
Identifiers: ClinVar variation 1364507 (VCV001364507.8), dbSNP rs749174262, ClinGen allele CA403161810.

ClinVar aggregate classification (germline): Uncertain significance (1 of 4 stars; one submission).

Conditions:
Familial hemophagocytic lymphohistiocytosis 5. Also called: STXBP2-Related Familial Hemophagocytic Lymphohistiocytosis (STXBP2-fHLH). Identifiers: Orphanet 540, MedGen C2751293, MONDO:0013135, OMIM 613101.

Allele frequency attached by ClinVar (database versions not stated): gnomAD 0.00001.
gnomAD v4.1: 1 of 1,612,050 alleles (0.000062%); highest among the groups gnomAD compares: Admixed American, 0.0017%; no homozygotes.

Submission:

Labcorp Genetics (formerly Invitae), Labcorp
Classification: Uncertain significance for Familial hemophagocytic lymphohistiocytosis 5. Last evaluated: 2021-01-13. Review status: criteria provided, single submitter. Criteria: Invitae Variant Classification Sherloc (09022015). Collection method: clinical testing. Allele origin: germline.
Comment: In summary, the available evidence is currently insufficient to determine the role of this variant in disease. Therefore, it has been classified as a Variant of Uncertain Significance. Algorithms developed to predict the effect of missense changes on protein structure and function are either unavailable or do not agree on the potential impact of this missense change (SIFT: "Deleterious"; PolyPhen-2: "Probably Damaging"; Align-GVGD: "Class C0"). This variant has not been reported in the literature in individuals with STXBP2-related conditions. This variant is not present in population databases (ExAC no frequency). This sequence change replaces proline with histidine at codon 497 of the STXBP2 protein (p.Pro497His). The proline residue is highly conserved and there is a moderate physicochemical difference between proline and histidine.